The following is an entry in ClinVar:

ClinVar aggregate classification (germline): Benign/Likely benign. Review status: criteria provided, multiple submitters, no conflicts (2 of 4 stars). 2 submissions from 2 submitters: Benign (1); Likely benign (1). Last evaluated 2026-04-16.

Conditions:
DICER1-related tumor predisposition. Also called: DICER1-related pleuropulmonary blastoma cancer predisposition syndrome; DICER1 syndrome. Identifiers: Orphanet 284343, MedGen C3839822, MONDO:0100216.

Submissions (2):

Myriad Genetics, Inc.
Classification: Benign for DICER1-related tumor predisposition. Last evaluated: 2026-04-16. Review status: criteria provided, single submitter. Criteria: Myriad Autosomal Dominant, Autosomal Recessive and X-Linked Classification Criteria (2023). Collection method: clinical testing. Allele origin: unknown.
Comment: This variant is considered benign. This variant is a silent/synonymous amino acid change and it is not expected to impact splicing.

Labcorp Genetics (formerly Invitae), Labcorp
Classification: Likely benign for DICER1-related tumor predisposition. Last evaluated: 2024-06-18. Review status: criteria provided, single submitter. Criteria: Invitae Variant Classification Sherloc (09022015). Collection method: clinical testing. Allele origin: germline.

NM_177438.3(DICER1):c.2796C>A (p.Ile932=)

Gene: DICER1 (dicer 1, ribonuclease III; minus strand). Cytogenetic location: 14q32.13.
Variant type: single nucleotide variant.
Coding change: c.2796C>A on transcript NM_177438.3 (MANE Select); coding-DNA position 2796, C replaced by A.
Protein change: p.Ile932=; no amino-acid change (isoleucine 932 retained).
Molecular consequence: synonymous variant.
Genome position (GRCh38, 1-based): chr14:95,107,616, G>T on the plus strand (C>A on the coding strand, the complement: DICER1 is on the minus strand). VCF-style: chr14-95107616-G-T. GRCh37 (hg19) VCF-style: chr14-95573953-G-T.
Other names: c.2796C>A, p.Ile932= (NM_001195573.1, NM_001271282.3, NM_001291628.2 and 1 more transcripts).
Identifiers: ClinVar variation 417071 (VCV000417071.12), dbSNP rs1060504967, ClinGen allele CA16614359.